The following is an entry in ClinVar:

NM_004577.4(PSPH):c.421G>A (p.Gly141Ser)

Gene: PSPH (phosphoserine phosphatase; minus strand). Cytogenetic location: 7p11.2.
Variant type: single nucleotide variant.
Coding change: c.421G>A on transcript NM_004577.4 (MANE Select); coding-DNA position 421, G replaced by A.
Protein change: p.Gly141Ser; replaces glycine 141 with serine.
Molecular consequence: missense variant.
Genome position (GRCh38, 1-based): chr7:56,017,234, C>T on the plus strand (G>A on the coding strand, the complement: PSPH is on the minus strand). VCF-style: chr7-56017234-C-T. GRCh37 (hg19) VCF-style: chr7-56084927-C-T.
Other names: c.421G>A, p.Gly141Ser (NM_001370503.1, NM_001370504.1, NM_001370505.1 and 17 more transcripts); short protein forms G141S.
Identifiers: ClinVar variation 2136541 (VCV002136541.4), dbSNP rs534946771, ClinGen allele CA4268645.

ClinVar aggregate classification (germline): Uncertain significance (1 of 4 stars; one submission).

Conditions:
Deficiency of phosphoserine phosphatase (PSPHD). Also called: Phosphoserine phosphatase deficiency; PSPH deficiency. Identifiers: Orphanet 79350, MedGen C1291463, MONDO:0013531, OMIM 614023.

Allele frequency attached by ClinVar (database versions not stated): gnomAD exomes 0.00001; TOPMed 0.00001; ExAC 0.00002; gnomAD 0.00003; 1000 Genomes Project 30x 0.00016; 1000 Genomes Project 0.00020.
gnomAD v4.1: 25 of 1,613,772 alleles (0.0015%); highest among the groups gnomAD compares: South Asian, 0.0044%; no homozygotes.

Submission:

Labcorp Genetics (formerly Invitae), Labcorp
Classification: Uncertain significance for Deficiency of phosphoserine phosphatase. Last evaluated: 2024-02-26. Review status: criteria provided, single submitter. Criteria: Invitae Variant Classification Sherloc (09022015). Collection method: clinical testing. Allele origin: germline.
Comment: This sequence change replaces glycine, which is neutral and non-polar, with serine, which is neutral and polar, at codon 141 of the PSPH protein (p.Gly141Ser). This variant also falls at the last nucleotide of exon 6, which is part of the consensus splice site for this exon. This variant is present in population databases (rs534946771, gnomAD 0.003%). This missense change has been observed in individual(s) with phosphoserine phosphatase deficiency (PMID: 26589312). ClinVar contains an entry for this variant (Variation ID: 2136541). An algorithm developed to predict the effect of missense changes on protein structure and function (PolyPhen-2) suggests that this variant is likely to be disruptive. Variants that disrupt the consensus splice site are a relatively common cause of aberrant splicing (PMID: 17576681, 9536098). Algorithms developed to predict the effect of sequence changes on RNA splicing suggest that this variant may disrupt the consensus splice site. In summary, the available evidence is currently insufficient to determine the role of this variant in disease. Therefore, it has been classified as a Variant of Uncertain Significance.

Literature cited by the submitters: PubMed 26589312; PubMed 17576681; PubMed 9536098.